The following is an entry in ClinVar:

ClinVar aggregate classification (germline): Uncertain significance (1 of 4 stars; one submission).

Conditions:
Inborn genetic diseases. Identifiers: MedGen C0950123, MeSH D030342.

gnomAD v4.1: 6 of 1,613,966 alleles (0.00037%); highest among the groups gnomAD compares: African/African-American, 0.0067%; no homozygotes.

Submission:

Ambry Genetics
Classification: Uncertain significance for Inborn genetic diseases. Last evaluated: 2026-04-27. Review status: criteria provided, single submitter. Criteria: Ambry Variant Classification Scheme 2023. Collection method: clinical testing. Allele origin: germline.
Comment: The c.4369A>G (p.K1457E) alteration is located in exon 9 (coding exon 7) of the ANKRD11 gene. This alteration results from a A to G substitution at nucleotide position 4369, causing the lysine (K) at amino acid position 1457 to be replaced by a glutamic acid (E). Based on data from gnomAD, the G allele has an overall frequency of 0.001% (4/282780) total alleles studied. The highest observed frequency was 0.016% (4/24956) of African alleles. Based on insufficient or conflicting evidence, the clinical significance of this alteration remains unclear.

NM_013275.6(ANKRD11):c.4369A>G (p.Lys1457Glu)

Gene: ANKRD11 (ankyrin repeat domain 11; minus strand). Cytogenetic location: 16q24.3.
Variant type: single nucleotide variant.
Coding change: c.4369A>G on transcript NM_013275.6 (MANE Select); coding-DNA position 4369, A replaced by G.
Protein change: p.Lys1457Glu; replaces lysine 1457 with glutamic acid.
Molecular consequence: missense variant.
Genome position (GRCh38, 1-based): chr16:89,282,173, T>C on the plus strand (A>G on the coding strand, the complement: ANKRD11 is on the minus strand). VCF-style: chr16-89282173-T-C. GRCh37 (hg19) VCF-style: chr16-89348581-T-C.
Other names: c.4369A>G, p.Lys1457Glu (NM_001256182.2, NM_001256183.2); short protein forms K1457E.
Identifiers: ClinVar variation 4858667 (VCV004858667.1).